The following is an entry in ClinVar:

NM_030780.5(SLC25A32):c.22G>A (p.Ala8Thr)

Gene: SLC25A32 (solute carrier family 25 member 32; minus strand). Cytogenetic location: 8q22.3.
Variant type: single nucleotide variant.
Coding change: c.22G>A on transcript NM_030780.5 (MANE Select); coding-DNA position 22, G replaced by A.
Protein change: p.Ala8Thr; replaces alanine 8 with threonine.
Molecular consequence: missense variant. On other transcripts: non-coding transcript variant (2).
Genome position (GRCh38, 1-based): chr8:103,414,916, C>T on the plus strand (G>A on the coding strand, the complement: SLC25A32 is on the minus strand). VCF-style: chr8-103414916-C-T. GRCh37 (hg19) VCF-style: chr8-104427144-C-T.
Other names: short protein forms A8T.
Identifiers: ClinVar variation 3697552 (VCV003697552.2).

ClinVar aggregate classification (germline): Uncertain significance (1 of 4 stars; one submission).

Submission:

Labcorp Genetics (formerly Invitae), Labcorp
Classification: Uncertain significance. Last evaluated: 2025-04-08. Review status: criteria provided, single submitter. Criteria: Invitae Variant Classification Sherloc (09022015). Collection method: clinical testing. Allele origin: germline.
Comment: This sequence change replaces alanine, which is neutral and non-polar, with threonine, which is neutral and polar, at codon 8 of the SLC25A32 protein (p.Ala8Thr). This variant is not present in population databases (gnomAD no frequency). This variant has not been reported in the literature in individuals affected with SLC25A32-related conditions. ClinVar contains an entry for this variant (Variation ID: 3697552). An algorithm developed to predict the effect of missense changes on protein structure and function outputs the following: PolyPhen-2: "Benign". The threonine amino acid residue is found in multiple mammalian species, which suggests that this missense change does not adversely affect protein function. In summary, the available evidence is currently insufficient to determine the role of this variant in disease. Therefore, it has been classified as a Variant of Uncertain Significance.